The following is an entry in ClinVar:

ClinVar aggregate classification (germline): Uncertain significance. Review status: criteria provided, multiple submitters, no conflicts (2 of 4 stars). 5 submissions from 5 submitters: Uncertain significance (5). Last evaluated 2025-11-24.

Conditions:
NF1-related disorder. Also called: NF1-related condition. Identifiers: MedGen CN379171.
Juvenile myelomonocytic leukemia (JMML). Also called: LEUKEMIA, JUVENILE MYELOMONOCYTIC, SOMATIC. Identifiers: Orphanet 86834, MedGen C0349639, MONDO:0011908, OMIM 607785, HP:0012209.
Neurofibromatosis, type 1 (NF1). Also called: NEUROFIBROMATOSIS, TYPE I, SOMATIC; VON RECKLINGHAUSEN DISEASE; Neurofibromatosis, type I; Peripheral type neurofibromatosis. Identifiers: Orphanet 636, MedGen C0027831, MONDO:0018975, OMIM 162200. Disease mechanism: loss of function.
Hereditary cancer-predisposing syndrome. Also called: Neoplastic Syndromes, Hereditary; Hereditary Cancer Syndrome; Hereditary neoplastic syndrome; Tumor predisposition. Identifiers: Orphanet 140162, MedGen C0027672, MeSH D009386, MONDO:0015356.
Cardiovascular phenotype. Identifiers: MedGen CN230736.

Submissions (5):

Ambry Genetics
Classification: Uncertain significance for Cardiovascular phenotype; Hereditary cancer-predisposing syndrome. Last evaluated: 2025-11-24. Review status: criteria provided, single submitter. Criteria: Ambry Variant Classification Scheme 2023. Collection method: clinical testing. Allele origin: germline.
Comment: The p.V174I variant (also known as c.520G>A), located in coding exon 5 of the NF1 gene, results from a G to A substitution at nucleotide position 520. The valine at codon 174 is replaced by isoleucine, an amino acid with highly similar properties. This amino acid position is highly conserved in available vertebrate species. In addition, the in silico prediction for this alteration is inconclusive. Based on the available evidence, the clinical significance of this variant remains unclear.

Labcorp Genetics (formerly Invitae), Labcorp
Classification: Uncertain significance for Neurofibromatosis, type 1. Last evaluated: 2024-01-21. Review status: criteria provided, single submitter. Criteria: Invitae Variant Classification Sherloc (09022015). Collection method: clinical testing. Allele origin: germline.
Comment: This sequence change replaces valine, which is neutral and non-polar, with isoleucine, which is neutral and non-polar, at codon 174 of the NF1 protein (p.Val174Ile). This variant is not present in population databases (gnomAD no frequency). This variant has not been reported in the literature in individuals affected with NF1-related conditions. ClinVar contains an entry for this variant (Variation ID: 642860). Advanced modeling of protein sequence and biophysical properties (such as structural, functional, and spatial information, amino acid conservation, physicochemical variation, residue mobility, and thermodynamic stability) has been performed at Invitae for this missense variant, however the output from this modeling did not meet the statistical confidence thresholds required to predict the impact of this variant on NF1 protein function. In summary, the available evidence is currently insufficient to determine the role of this variant in disease. Therefore, it has been classified as a Variant of Uncertain Significance.

Baylor Genetics
Classification: Uncertain significance for Juvenile myelomonocytic leukemia. Last evaluated: 2023-10-30. Review status: criteria provided, single submitter. Criteria: ACMG Guidelines, 2015. Collection method: clinical testing. Allele origin: unknown.

PreventionGenetics, part of Exact Sciences
Classification: Uncertain significance for NF1-related condition. Last evaluated: 2023-02-07. Review status: criteria provided, single submitter. Criteria: ACMG Guidelines, 2015. Collection method: clinical testing. Allele origin: germline.
Comment: The NF1 c.520G>A variant is predicted to result in the amino acid substitution p.Val174Ile. To our knowledge, this variant has not been reported in the literature or in a large population database, indicating this variant is rare. At this time, the clinical significance of this variant is uncertain due to the absence of conclusive functional and genetic evidence.

GeneDx
Classification: Uncertain significance. Last evaluated: 2022-10-12. Review status: criteria provided, single submitter. Criteria: GeneDx Variant Classification Process June 2021. Collection method: clinical testing. Allele origin: germline. Affected: yes.
Comment: Not observed at significant frequency in large population cohorts (gnomAD); In silico analysis supports that this missense variant does not alter protein structure/function; Has not been previously published as pathogenic or benign to our knowledge

NM_001042492.3(NF1):c.520G>A (p.Val174Ile)

Gene: NF1 (neurofibromin 1; plus strand). Cytogenetic location: 17q11.2.
Variant type: single nucleotide variant.
Coding change: c.520G>A on transcript NM_001042492.3 (MANE Select); coding-DNA position 520, G replaced by A.
Protein change: p.Val174Ile; replaces valine 174 with isoleucine.
Molecular consequence: missense variant.
Genome position (GRCh38, 1-based): chr17:31,169,931, G>A. VCF-style: chr17-31169931-G-A. GRCh37 (hg19) VCF-style: chr17-29496949-G-A.
Other names: c.520G>A, p.Val174Ile (NM_000267.4, NM_001128147.3); short protein forms V174I.
Identifiers: ClinVar variation 642860 (VCV000642860.11), dbSNP rs1555607084, ClinGen allele CA398985022.
Genomic context (GRCh38, chr17:31,169,931, plus strand): 5'-TTTTGGTTTTTACTTTTTAGGTTACAGGAATTAACTGTTTGTTCAGAAGACAATGTTGAT[G>A]TTCATGATATAGAATTGTTACAGTATATCAATGTGGATTGTGCAAAATTAAAACGACTCC-3'
Protein context (NP_001035957.1, residues 164-184): LTVCSEDNVD[Val174Ile]HDIELLQYIN